The following is an entry in ClinVar:

ClinVar aggregate classification (germline): Uncertain significance (1 of 4 stars; one submission).

Conditions:
Developmental and epileptic encephalopathy 94 (DEE94). Also called: Epileptic encephalopathy, childhood-onset; CHD2-Related Neurodevelopmental Disorders. Identifiers: Orphanet 1942, Orphanet 2382, MedGen C3809278, MONDO:0014150, OMIM 615369.

Submission:

Labcorp Genetics (formerly Invitae), Labcorp
Classification: Uncertain significance for Developmental and epileptic encephalopathy 94. Last evaluated: 2025-10-31. Review status: criteria provided, single submitter. Criteria: Invitae Variant Classification Sherloc (09022015). Collection method: clinical testing. Allele origin: germline.
Comment: This sequence change replaces lysine, which is basic and polar, with arginine, which is basic and polar, at codon 174 of the CHD2 protein (p.Lys174Arg). This variant is present in population databases (no rsID available, gnomAD 0.0009%). This variant has not been reported in the literature in individuals affected with CHD2-related conditions. Invitae Evidence Modeling of protein sequence and biophysical properties (such as structural, functional, and spatial information, amino acid conservation, physicochemical variation, residue mobility, and thermodynamic stability) indicates that this missense variant is not expected to disrupt CHD2 protein function with a negative predictive value of 95%. In summary, the available evidence is currently insufficient to determine the role of this variant in disease. Therefore, it has been classified as a Variant of Uncertain Significance.

NM_001271.4(CHD2):c.521A>G (p.Lys174Arg)

Gene: CHD2 (chromodomain helicase DNA binding protein 2; plus strand). Cytogenetic location: 15q26.1.
Variant type: single nucleotide variant.
Coding change: c.521A>G on transcript NM_001271.4 (MANE Select); coding-DNA position 521, A replaced by G.
Protein change: p.Lys174Arg; replaces lysine 174 with arginine.
Molecular consequence: missense variant.
Genome position (GRCh38, 1-based): chr15:92,937,595, A>G. VCF-style: chr15-92937595-A-G. GRCh37 (hg19) VCF-style: chr15-93480825-A-G.
Other names: c.521A>G, p.Lys174Arg (NM_001042572.3); short protein forms K174R.
Identifiers: ClinVar variation 4766222 (VCV004766222.1).
Genomic context (GRCh38, chr15:92,937,595, plus strand): 5'-AACCCTCAGAAGATGAACAGGAACAAGGCACCAGTGCAGAGAGTGAGCCAGAACAAAAAA[A>G]AGTAAAAGCCAGAAGACCTGTCCCCAGAAGGTGCACTGTTTGCTTAAGATCTCTACTTGG-3'
Protein context (NP_001262.3, residues 164-184): TSAESEPEQK[Lys174Arg]VKARRPVPRR